The following is an entry in ClinVar:

NM_024408.4(NOTCH2):c.3523-3C>T

Gene: NOTCH2 (notch receptor 2; minus strand). Cytogenetic location: 1p12.
Variant type: single nucleotide variant.
Coding change: c.3523-3C>T on transcript NM_024408.4 (MANE Select); 3 bases into the intron before coding-DNA position 3523, C replaced by T.
Molecular consequence: intron variant.
Genome position (GRCh38, 1-based): chr1:119,935,607, G>A on the plus strand (C>T on the coding strand, the complement: NOTCH2 is on the minus strand). VCF-style: chr1-119935607-G-A. GRCh37 (hg19) VCF-style: chr1-120478230-G-A.
Other names: c.3523-3C>T (NM_001200001.2).
Identifiers: ClinVar variation 4711272 (VCV004711272.1).
Genomic context (GRCh38, chr1:119,935,607, plus strand): 5'-GATTCTGGCACTCATCCACTTCATACTCACAGTTGACACCCTGATAGCCTGGGACACACT[G>A]CCATGAGGAAACAAAAAGGACAAGAAATATTGGACCATTACTGGAAACAGACCATGAGAG-3'

ClinVar aggregate classification (germline): Uncertain significance (1 of 4 stars; one submission).

Conditions:
Hajdu-Cheney syndrome (HJCYS). Also called: ACROOSTEOLYSIS WITH OSTEOPOROSIS AND CHANGES IN SKULL AND MANDIBLE; SERPENTINE FIBULA-POLYCYSTIC KIDNEY SYNDROME; Acroosteolysis dominant type. Identifiers: Orphanet 955, MedGen C0917715, MONDO:0007057, OMIM 102500.

gnomAD v4.1: 1 of 1,613,886 alleles (0.000062%); highest among the groups gnomAD compares: Non-Finnish European, 0.000085%; no homozygotes.

Submission:

Labcorp Genetics (formerly Invitae), Labcorp
Classification: Uncertain significance for Hajdu-Cheney syndrome. Last evaluated: 2026-02-01. Review status: criteria provided, single submitter. Criteria: Invitae Variant Classification Sherloc (09022015). Collection method: clinical testing. Allele origin: germline.
Comment: This sequence change falls in intron 21 of the NOTCH2 gene. It does not directly change the encoded amino acid sequence of the NOTCH2 protein. It affects a nucleotide within the consensus splice site. This variant is not present in population databases (gnomAD no frequency). This variant has not been reported in the literature in individuals affected with NOTCH2-related conditions. Variants that disrupt the consensus splice site are a relatively common cause of aberrant splicing (PMID: 17576681, 9536098). Algorithms developed to predict the effect of sequence changes on RNA splicing suggest that this variant is not likely to affect RNA splicing. In summary, the available evidence is currently insufficient to determine the role of this variant in disease. Therefore, it has been classified as a Variant of Uncertain Significance.

Literature cited by the submitters: PubMed 17576681; PubMed 9536098.